The following is an entry in ClinVar:

NM_052947.4(ALPK2):c.2049C>A (p.Phe683Leu)

Gene: ALPK2 (alpha kinase 2; minus strand). Cytogenetic location: 18q21.31.
Variant type: single nucleotide variant.
Coding change: c.2049C>A on transcript NM_052947.4 (MANE Select); coding-DNA position 2049, C replaced by A.
Protein change: p.Phe683Leu; replaces phenylalanine 683 with leucine.
Molecular consequence: missense variant.
Genome position (GRCh38, 1-based): chr18:58,538,138, G>T on the plus strand (C>A on the coding strand, the complement: ALPK2 is on the minus strand). VCF-style: chr18-58538138-G-T. GRCh37 (hg19) VCF-style: chr18-56205370-G-T.
Other names: short protein forms F683L.
Identifiers: ClinVar variation 1785011 (VCV001785011.2), dbSNP rs2518878183, ClinGen allele CA402571818.

ClinVar aggregate classification (germline): Uncertain significance (1 of 4 stars; one submission).

Submission:

Ambry Genetics
Classification: Uncertain significance. Last evaluated: 2024-01-13. Review status: criteria provided, single submitter. Criteria: Ambry Variant Classification Scheme 2023. Collection method: clinical testing. Allele origin: germline.
Comment: The p.F683L variant (also known as c.2049C>A), located in coding exon 4 of the ALPK2 gene, results from a C to A substitution at nucleotide position 2049. The phenylalanine at codon 683 is replaced by leucine, an amino acid with highly similar properties. This amino acid position is conserved. In addition, this alteration is predicted to be tolerated by in silico analysis. Since supporting evidence is limited at this time, the clinical significance of this alteration remains unclear.